The following is an entry in ClinVar:

NM_001171613.2(PREPL):c.-49+1740C>T

Gene: PREPL (prolyl endopeptidase like; minus strand). Cytogenetic location: 2p21.
Variant type: single nucleotide variant.
Coding change: c.-49+1740C>T on transcript NM_001171613.2 (MANE Select); 1740 bases into the intron after 49 bases upstream of the start codon, C replaced by T.
Molecular consequence: intron variant. On other transcripts: nonsense (7).
Genome position (GRCh38, 1-based): chr2:44,359,640, G>A on the plus strand (C>T on the coding strand, the complement: PREPL is on the minus strand). VCF-style: chr2-44359640-G-A. GRCh37 (hg19) VCF-style: chr2-44586779-G-A.
Other names: c.76C>T, p.Gln26Ter (NM_001374275.1, NM_001374276.1, NM_006036.4 and 4 more transcripts); c.-49+1884C>T (NM_001171617.1); c.-49+1777C>T (NM_001374277.1); short protein forms Q26*.
Identifiers: ClinVar variation 3626880 (VCV003626880.2).

ClinVar aggregate classification (germline): Pathogenic (1 of 4 stars; one submission).

Conditions:
Myasthenic syndrome, congenital, 22 (CMS22). Also called: PREPL DEFICIENCY. Identifiers: MedGen C4479088, MONDO:0044299, OMIM 616224.

gnomAD v4.1: 7 of 1,612,890 alleles (0.00043%); highest among the groups gnomAD compares: Middle Eastern, 0.017%; no homozygotes.

Submission:

Labcorp Genetics (formerly Invitae), Labcorp
Classification: Pathogenic for Myasthenic syndrome, congenital, 22. Last evaluated: 2025-03-05. Review status: criteria provided, single submitter. Criteria: Invitae Variant Classification Sherloc (09022015). Collection method: clinical testing. Allele origin: germline.
Comment: This sequence change creates a premature translational stop signal (p.Gln26*) in the PREPL gene. It is expected to result in an absent or disrupted protein product. Loss-of-function variants in PREPL are known to be pathogenic (PMID: 24610330, 28726805, 29913539). This variant is present in population databases (rs145322905, gnomAD 0.002%). This variant has not been reported in the literature in individuals affected with PREPL-related conditions. Algorithms developed to predict the effect of sequence changes on RNA splicing suggest that this variant may disrupt the consensus splice site. For these reasons, this variant has been classified as Pathogenic.

Literature cited by the submitters: PubMed 24610330; PubMed 28726805; PubMed 29913539.